The following is an entry in ClinVar:

ClinVar aggregate classification (germline): Likely benign (1 of 4 stars; one submission).

Submission:

CeGaT Center for Human Genetics Tuebingen
Classification: Likely benign. Last evaluated: 2022-11-01. Review status: criteria provided, single submitter. Criteria: CeGaT Center For Human Genetics Tuebingen Variant Classification Criteria Version 2. Collection method: clinical testing. Allele origin: germline. Affected: yes. Observed: 1 variant allele.
Comment: SH3TC1: PM2:Supporting, BP4, BP7

NM_018986.5(SH3TC1):c.3774G>C (p.Gly1258=)

Gene: SH3TC1 (SH3 domain and tetratricopeptide repeats 1; plus strand). Cytogenetic location: 4p16.1.
Variant type: single nucleotide variant.
Coding change: c.3774G>C on transcript NM_018986.5 (MANE Select); coding-DNA position 3774, G replaced by C.
Protein change: p.Gly1258=; no amino-acid change (glycine 1258 retained).
Molecular consequence: synonymous variant. On other transcripts: non-coding transcript variant (1).
Genome position (GRCh38, 1-based): chr4:8,240,718, G>C. VCF-style: chr4-8240718-G-C. GRCh37 (hg19) VCF-style: chr4-8242445-G-C.
Other names: c.3546G>C, p.Gly1182= (NM_001318480.2); c.3693G>C, p.Gly1231= (NM_001410712.1).
Identifiers: ClinVar variation 2654653 (VCV002654653.24), dbSNP rs1221254316, ClinGen allele CA438283457.
Genomic context (GRCh38, chr4:8,240,718, plus strand): 5'-CCGAGTCCCCCTTTTGCTGAGCATGGCCTGTCCCCTTCAGGACCCGTTTGATGCAGCCGG[G>C]TACTACCAGCTGGCGCTGGCAGCCGCCGTGGACCTGGGCAACAAGAAGGCACAGCTGAAG-3'
Protein context (NP_061859.4, residues 1248-1268): YDLKDPFDAA[Gly1258=]YYQLALAAAV